The following is an entry in ClinVar:

NM_000051.4(ATM):c.3151G>C (p.Glu1051Gln)

Gene: ATM (ATM serine/threonine kinase; plus strand). Cytogenetic location: 11q22.3.
Variant type: single nucleotide variant.
Coding change: c.3151G>C on transcript NM_000051.4 (MANE Select); coding-DNA position 3151, G replaced by C.
Protein change: p.Glu1051Gln; replaces glutamic acid 1051 with glutamine.
Molecular consequence: missense variant.
Genome position (GRCh38, 1-based): chr11:108,272,605, G>C. VCF-style: chr11-108272605-G-C. GRCh37 (hg19) VCF-style: chr11-108143332-G-C.
Other names: c.3151G>C, p.Glu1051Gln (NM_001351834.2); short protein forms E1051Q.
Identifiers: ClinVar variation 419043 (VCV000419043.14), dbSNP rs774935453, ClinGen allele CA6265201.

ClinVar aggregate classification (germline): Uncertain significance. Review status: criteria provided, multiple submitters, no conflicts (2 of 4 stars). 6 submissions from 6 submitters: Uncertain significance (5). 1 of the submissions does not count toward it. Last evaluated 2025-11-17.

Conditions:
Ataxia-telangiectasia syndrome (AT). Also called: Ataxia-telangiectasia, complementation group D; Cerebello-oculocutaneous telangiectasia; Immunodeficiency with ataxia telangiectasia; ATAXIA-TELANGIECTASIA, COMPLEMENTATION GROUP A; ATAXIA-TELANGIECTASIA, FRESNO VARIANT; LOUIS-BAR SYNDROME. Identifiers: Orphanet 100, MedGen C0004135, MONDO:0008840, OMIM 208900.
Hereditary cancer-predisposing syndrome. Also called: Hereditary neoplastic syndrome; Hereditary Cancer Syndrome; Neoplastic Syndromes, Hereditary; Tumor predisposition. Identifiers: Orphanet 140162, MedGen C0027672, MeSH D009386, MONDO:0015356.

Allele frequency attached by ClinVar (database versions not stated): gnomAD exomes 0.00001; ExAC 0.00002.
gnomAD v4.1: 4 of 1,613,650 alleles (0.00025%); highest among the groups gnomAD compares: Non-Finnish European, 0.00034%; no homozygotes.

Submissions (6):

Labcorp Genetics (formerly Invitae), Labcorp
Classification: Uncertain significance for Ataxia-telangiectasia syndrome. Last evaluated: 2025-11-17. Review status: criteria provided, single submitter. Criteria: Invitae Variant Classification Sherloc (09022015). Collection method: clinical testing. Allele origin: germline.
Comment: This sequence change replaces glutamic acid, which is acidic and polar, with glutamine, which is neutral and polar, at codon 1051 of the ATM protein (p.Glu1051Gln). This variant is present in population databases (rs774935453, gnomAD 0.002%). This missense change has been observed in individual(s) with colorectal cancer (PMID: 27978560). ClinVar contains an entry for this variant (Variation ID: 419043). An algorithm developed to predict the effect of missense changes on protein structure and function (PolyPhen-2) suggests that this variant is likely to be tolerated. In summary, the available evidence is currently insufficient to determine the role of this variant in disease. Therefore, it has been classified as a Variant of Uncertain Significance.

Color Diagnostics, LLC DBA Color Health
Classification: Uncertain significance for Hereditary cancer-predisposing syndrome. Last evaluated: 2025-04-01. Review status: criteria provided, single submitter. Criteria: ACMG Guidelines, 2015. Collection method: clinical testing. Allele origin: germline.
Comment: This missense variant replaces glutamic acid with glutamine at codon 1051 of the ATM protein. Computational prediction suggests that this variant may not impact protein structure and function. To our knowledge, functional studies have not been reported for this variant. This variant has not been reported in individuals affected with ATM-related disorders in the literature. This variant has been identified in 2/251238 chromosomes in the general population by the Genome Aggregation Database (gnomAD). The available evidence is insufficient to determine the role of this variant in disease conclusively. Therefore, this variant is classified as a Variant of Uncertain Significance.

Ambry Genetics
Classification: Uncertain significance for Hereditary cancer-predisposing syndrome. Last evaluated: 2025-03-18. Review status: criteria provided, single submitter. Criteria: Ambry Variant Classification Scheme 2023. Collection method: clinical testing. Allele origin: germline.
Comment: The p.E1051Q variant (also known as c.3151G>C), located in coding exon 20 of the ATM gene, results from a G to C substitution at nucleotide position 3151. The glutamic acid at codon 1051 is replaced by glutamine, an amino acid with highly similar properties. This alteration has been previously identified in a North American cohort of individuals with early onset colon cancer (Pearlman R et al. JAMA Oncol, 2017 Apr;3:464-471). This amino acid position is highly conserved in available vertebrate species. In addition, this alteration is predicted to be tolerated by in silico analysis. Since supporting evidence is limited at this time, the clinical significance of this alteration remains unclear.

PreventionGenetics, part of Exact Sciences
Classification: Uncertain significance. Last evaluated: 2017-05-09. Review status: criteria provided, single submitter. Criteria: ACMG Guidelines, 2015. Collection method: clinical testing. Allele origin: germline.

GeneDx
Classification: Uncertain significance. Last evaluated: 2015-05-12. Review status: criteria provided, single submitter. Criteria: GeneDx Variant Classification (06012015). Collection method: clinical testing. Allele origin: germline. Affected: yes.
Comment: This variant is denoted ATM c.3151G>C at the cDNA level, p.Glu1051Gln (E1051Q) at the protein level, and results in the change of a Glutamic Acid to a Glutamine (GAG>CAG). This variant has not, to our knowledge, been published in the literature as pathogenic or benign. ATM Glu1051Gln was not observed in approximately 6,500 individuals of European and African American ancestry in the NHLBI Exome Sequencing Project, indicating it is not a common benign variant in these populations. Since Glutamic Acid and Glutamine differ in some properties, this is considered a semi-conservative amino acid substitution. ATM Glu1051Gln occurs at a position that is conserved across species and is located in the beta-adaptin interaction domain (Tavtigian 2009). In silico analyses are inconsistent regarding the effect this variant may have on protein structure and function. Based on currently available information, it is unclear whether ATM Glu1051Gln is pathogenic or benign. We consider it to be a variant of uncertain significance.

Natera, Inc.
Classification: Uncertain significance for Ataxia-telangiectasia. Last evaluated: 2021-03-19. Review status: no assertion criteria provided. Collection method: clinical testing. Allele origin: germline. Not counted in ClinVar's aggregate classification.

Literature cited by the submitters: PubMed 27978560 (cited by Labcorp Genetics (formerly Invitae), Labcorp and Ambry Genetics).